The following is an entry in ClinVar:

ClinVar aggregate classification (germline): Pathogenic (1 of 4 stars; one submission).

Conditions:
Episodic ataxia type 2 (EA2). Also called: ACETAZOLAMIDE-RESPONSIVE HEREDITARY PAROXYSMAL CEREBELLAR ATAXIA; ATAXIA, EPISODIC, WITH NYSTAGMUS; ATAXIA, FAMILIAL PAROXYSMAL; CEREBELLAR ATAXIA, PAROXYSMAL, ACETAZOLAMIDE-RESPONSIVE; CEREBELLOPATHY, HEREDITARY PAROXYSMAL; EPISODIC ATAXIA, NYSTAGMUS-ASSOCIATED. Identifiers: Orphanet 97, MedGen C1720416, MONDO:0007163, OMIM 108500.
Developmental and epileptic encephalopathy, 42 (DEE42A). Also called: EPILEPTIC ENCEPHALOPATHY, EARLY INFANTILE, 42A; DEVELOPMENTAL AND EPILEPTIC ENCEPHALOPATHY 42A; Epileptic encephalopathy, early infantile, 42. Identifiers: MedGen C4310716, MONDO:0014917, OMIM 617106.

Submission:

Labcorp Genetics (formerly Invitae), Labcorp
Classification: Pathogenic for Developmental and epileptic encephalopathy, 42; Episodic ataxia type 2. Last evaluated: 2022-03-31. Review status: criteria provided, single submitter. Criteria: Invitae Variant Classification Sherloc (09022015). Collection method: clinical testing. Allele origin: germline.
Comment: For these reasons, this variant has been classified as Pathogenic. This variant has not been reported in the literature in individuals affected with CACNA1A-related conditions. This variant is not present in population databases (gnomAD no frequency). This sequence change creates a premature translational stop signal (p.Asp1017Thrfs*53) in the CACNA1A gene. It is expected to result in an absent or disrupted protein product. Loss-of-function variants in CACNA1A are known to be pathogenic (PMID: 10371528, 19486177, 25735478, 27250579).

Literature cited by the submitters: PubMed 10371528; PubMed 19486177; PubMed 25735478; PubMed 27250579.

NM_001127222.2(CACNA1A):c.3046del (p.Asp1016fs)

Gene: CACNA1A (calcium voltage-gated channel subunit alpha1 A; minus strand). Cytogenetic location: 19p13.13.
Variant type: Deletion.
Coding change: c.3046del on transcript NM_001127222.2 (MANE Select); coding-DNA position 3046, one base deleted (G; older notation c.3046delG).
Protein change: p.Asp1016fs; shifts the reading frame from aspartic acid 1016.
Molecular consequence: frameshift variant.
Genome position (GRCh38, 1-based): chr19:13,298,587, C deleted on the plus strand (G on the coding strand, the reverse complement: CACNA1A is on the minus strand); the first of 5 consecutive C bases (chr19:13,298,587-13,298,591); deleting any one gives the same sequence. VCF-style (leftmost placement, unchanged base first): chr19-13298586-TC-T. GRCh37 (hg19) VCF-style: chr19-13409400-TC-T.
Other names: c.3058del, p.Asp1020fs (NM_000068.4, NM_023035.3); c.3049del, p.Asp1017fs (NM_001127221.2, NM_001174080.2); short protein forms D1017fs, D1020fs, D1016fs.
Identifiers: ClinVar variation 2119973 (VCV002119973.4), dbSNP rs2512904670, ClinGen allele CA2580096597.